The following is an entry in ClinVar:

NM_020297.4(ABCC9):c.1108_1123del (p.Leu369_Gln370insTer)

Gene: ABCC9 (ATP binding cassette subfamily C member 9; minus strand). Cytogenetic location: 12p12.1.
Variant type: Deletion.
Coding change: c.1108_1123del on transcript NM_020297.4 (MANE Select); coding-DNA positions 1108 to 1123, 16 bases deleted (CAGGCTTCCTACTATG).
Protein change: p.Leu369_Gln370insTer.
Molecular consequence: nonsense.
Genome position (GRCh38, 1-based): chr12:21,910,867-21,910,882, CATAGTAGGAAGCCTG deleted on the plus strand (CAGGCTTCCTACTATG on the coding strand, the reverse complement: ABCC9 is on the minus strand); deleting any 16 consecutive bases within chr12:21,910,867-21,910,884 gives the same sequence; the c. name uses the placement nearest the transcript's 3' end. VCF-style (leftmost placement, unchanged base first): chr12-21910866-ACATAGTAGGAAGCCTG-A. GRCh37 (hg19) VCF-style: chr12-22063800-ACATAGTAGGAAGCCTG-A.
Other names: c.1108_1123del, p.Leu369_Gln370insTer (NM_001377273.1, NM_005691.4); c.244_259del, p.Leu81_Gln82insTer (NM_001377274.1).
Identifiers: ClinVar variation 2832242 (VCV002832242.3), dbSNP rs2541677216, ClinGen allele CA2617920515.

ClinVar aggregate classification (germline): Pathogenic (1 of 4 stars; one submission).

Conditions:
Dilated cardiomyopathy 1O (CMD1O). Also called: CARDIOMYOPATHY, DILATED, WITH VENTRICULAR TACHYCARDIA. Identifiers: Orphanet 154, MedGen C1837839, MONDO:0012062, OMIM 608569.

Submission:

Labcorp Genetics (formerly Invitae), Labcorp
Classification: Pathogenic for Dilated cardiomyopathy 1O. Last evaluated: 2024-10-01. Review status: criteria provided, single submitter. Criteria: Invitae Variant Classification Sherloc (09022015). Collection method: clinical testing. Allele origin: germline.
Comment: This sequence change creates a premature translational stop signal (p.Gln370*) in the ABCC9 gene. It is expected to result in an absent or disrupted protein product. Loss-of-function variants in ABCC9 are known to be pathogenic (PMID: 31575858, 38217872). This variant is not present in population databases (gnomAD no frequency). This variant has not been reported in the literature in individuals affected with ABCC9-related conditions. For these reasons, this variant has been classified as Pathogenic.

Literature cited by the submitters: PubMed 31575858; PubMed 38217872.